The following is an entry in ClinVar:

ClinVar aggregate classification (germline): Uncertain significance. Review status: criteria provided, single submitter (1 of 4 stars). 2 submissions from 2 submitters: Uncertain significance (1). 1 of the submissions does not count toward it. Last evaluated 2022-10-18.

Conditions:
VPS13C-related disorder. Also called: VPS13C-related condition.

Allele frequency attached by ClinVar (database versions not stated): gnomAD 0.00002; TOPMed 0.00002; gnomAD exomes 0.00008; ExAC 0.00009; 1000 Genomes Project 30x 0.00047; 1000 Genomes Project 0.00060.
gnomAD v4.1: 31 of 1,614,060 alleles (0.0019%); highest among the groups gnomAD compares: East Asian, 0.058%; no homozygotes.

Submissions (2):

Labcorp Genetics (formerly Invitae), Labcorp
Classification: Uncertain significance. Last evaluated: 2022-10-18. Review status: criteria provided, single submitter. Criteria: Invitae Variant Classification Sherloc (09022015). Collection method: clinical testing. Allele origin: germline.
Comment: This sequence change replaces isoleucine, which is neutral and non-polar, with methionine, which is neutral and non-polar, at codon 2638 of the VPS13C protein (p.Ile2638Met). This variant is present in population databases (rs544731129, gnomAD 0.1%). This variant has not been reported in the literature in individuals affected with VPS13C-related conditions. ClinVar contains an entry for this variant (Variation ID: 1400890). Advanced modeling of protein sequence and biophysical properties (such as structural, functional, and spatial information, amino acid conservation, physicochemical variation, residue mobility, and thermodynamic stability) performed at Invitae indicates that this missense variant is not expected to disrupt VPS13C protein function. Algorithms developed to predict the effect of sequence changes on RNA splicing suggest that this variant may create or strengthen a splice site. In summary, the available evidence is currently insufficient to determine the role of this variant in disease. Therefore, it has been classified as a Variant of Uncertain Significance.

PreventionGenetics, part of Exact Sciences
Classification: Uncertain significance for VPS13C-related condition. Last evaluated: 2023-11-10. Review status: no assertion criteria provided. Collection method: clinical testing. Allele origin: germline. Not counted in ClinVar's aggregate classification.
Comment: The VPS13C c.7914A>G variant is predicted to result in the amino acid substitution p.Ile2638Met. This variant was reported in an individual from a large Parkinson disease cohort; however, detailed clinical information was not available (Table S8, Chen et al. 2021. PubMed ID: 34250953). To our knowledge, this variant has not been reported in the literature. This variant is reported in 0.11% of alleles in individuals of East Asian descent in gnomAD. At this time, the clinical significance of this variant is uncertain due to the absence of conclusive functional and genetic evidence.

NM_020821.3(VPS13C):c.7914A>G (p.Ile2638Met)

Gene: VPS13C (vacuolar protein sorting 13 homolog C; minus strand). Cytogenetic location: 15q22.2.
Variant type: single nucleotide variant.
Coding change: c.7914A>G on transcript NM_020821.3 (MANE Select); coding-DNA position 7914, A replaced by G.
Protein change: p.Ile2638Met; replaces isoleucine 2638 with methionine.
Molecular consequence: missense variant.
Genome position (GRCh38, 1-based): chr15:61,917,482, T>C on the plus strand (A>G on the coding strand, the complement: VPS13C is on the minus strand). VCF-style: chr15-61917482-T-C. GRCh37 (hg19) VCF-style: chr15-62209681-T-C.
Other names: c.7914A>G, p.Ile2638Met (NM_001018088.3); c.7785A>G, p.Ile2595Met (NM_017684.5, NM_018080.4); c.7914A>G (NM_020821.2); short protein forms I2638M, I2595M.
Identifiers: ClinVar variation 1400890 (VCV001400890.10), dbSNP rs544731129, ClinGen allele CA7595126.